The following is an entry in ClinVar:

ClinVar aggregate classification (germline): Uncertain significance (1 of 4 stars; one submission).

Conditions:
HNSHA due to aldolase A deficiency (GSD12). Also called: Glycogen storage disease due to aldolase A deficiency; GLYCOGEN STORAGE DISEASE XII; GSD XII; RED CELL ALDOLASE DEFICIENCY. Identifiers: Orphanet 57, MedGen C0272066, MONDO:0012747, OMIM 611881.

Allele frequency attached by ClinVar (database versions not stated): gnomAD 0.00001; TOPMed 0.00001; ExAC 0.00002.
gnomAD v4.1: 26 of 1,614,206 alleles (0.0016%); highest among the groups gnomAD compares: Middle Eastern, 0.016%; no homozygotes.

Submission:

Labcorp Genetics (formerly Invitae), Labcorp
Classification: Uncertain significance for HNSHA due to aldolase A deficiency. Last evaluated: 2021-04-19. Review status: criteria provided, single submitter. Criteria: Invitae Variant Classification Sherloc (09022015). Collection method: clinical testing. Allele origin: germline.
Comment: This variant has not been reported in the literature in individuals with ALDOA-related conditions. This variant is present in population databases (rs775705038, ExAC 0.01%). This sequence change replaces asparagine with aspartic acid at codon 120 of the ALDOA protein (p.Asn120Asp). The asparagine residue is highly conserved and there is a small physicochemical difference between asparagine and aspartic acid. In summary, the available evidence is currently insufficient to determine the role of this variant in disease. Therefore, it has been classified as a Variant of Uncertain Significance. Algorithms developed to predict the effect of missense changes on protein structure and function (SIFT, PolyPhen-2, Align-GVGD) all suggest that this variant is likely to be tolerated, but these predictions have not been confirmed by published functional studies and their clinical significance is uncertain.

NM_001243177.4(ALDOA):c.520A>G (p.Asn174Asp)

Genes: ALDOA (aldolase, fructose-bisphosphate A; plus strand), LOC112694756 (uncharaterized LOC112694756; plus strand). Cytogenetic location: 16p11.2.
Variant type: single nucleotide variant.
Coding change: c.520A>G on transcript NM_001243177.4 (MANE Select); coding-DNA position 520, A replaced by G.
Protein change: p.Asn174Asp; replaces asparagine 174 with aspartic acid.
Molecular consequence: missense variant. On other transcripts: 3 prime UTR variant (3).
Genome position (GRCh38, 1-based): chr16:30,068,679, A>G. VCF-style: chr16-30068679-A-G. GRCh37 (hg19) VCF-style: chr16-30080000-A-G.
Other names: c.*867A>G (NM_001365304.2, NM_001365305.2, NM_001365307.2); c.358A>G, p.Asn120Asp (NM_001127617.2, NM_184041.5, NM_184043.2); short protein forms N120D, N174D.
Identifiers: ClinVar variation 1406126 (VCV001406126.8), dbSNP rs775705038, ClinGen allele CA8000966.
Genomic context (GRCh38, chr16:30,068,679, plus strand): 5'-TTAATGTTGTTACCCTGACCCCAACAGGTAGACAAGGGCGTGGTCCCCCTGGCAGGGACA[A>G]ATGGCGAGACTACCACCCAAGGTGAGAACTGTTTGATTCTCTGCCCTACGAACCCAACCA-3'
Protein context (NP_001230106.1, residues 164-184): DKGVVPLAGT[Asn174Asp]GETTTQGLDG